The following is an entry in ClinVar:

ClinVar aggregate classification (germline): Conflicting classifications of pathogenicity. Review status: criteria provided, conflicting classifications (1 of 4 stars). 11 submissions from 10 submitters: Uncertain significance (2); Likely benign (9). Last evaluated 2026-01-25.

Conditions:
Familial hypercholesterolemia. Also called: Familial hypercholesterolemias; Familial hypercholesterolaemia. Identifiers: MedGen C0020445, MONDO:0005439.
Hypercholesterolemia, autosomal dominant, type B (FHCL2). Also called: Familial Hypercholesterolemia Type B; Hyperlipoproteinemia Type IIb; Familial hypercholesterolemia 2; APOB-Related Familial Hypercholesterolemia, Autosomal Dominant; HYPERCHOLESTEROLEMIA, FAMILIAL, DUE TO LIGAND-DEFECTIVE APOLIPOPROTEIN B; APOLIPOPROTEIN B-100, FAMILIAL DEFECTIVE. Identifiers: MedGen C1704417, MONDO:0007751, OMIM 144010.
Familial hypobetalipoproteinemia 1. Also called: Hypobetalipoproteinemia, normotriglyceridemic; Acanthocytosis with hypobetalipoproteinemia; APOB-Related Familial Hypobetalipoproteinemia. Identifiers: MedGen C4551990, MONDO:0014252, OMIM 615558.
Hypercholesterolemia, familial, 1. Also called: LDL RECEPTOR DISORDER; Hyperlipoproteinemia Type IIa; HYPER-LOW-DENSITY-LIPOPROTEINEMIA; HYPERCHOLESTEROLEMIC XANTHOMATOSIS, FAMILIAL; Fredrickson type IIa hyperlipoproteinemia; Hyperlipoproteinemia type 2. Identifiers: Orphanet 391665, MedGen C0745103, MONDO:0007750, OMIM 143890.
Cardiovascular phenotype. Identifiers: MedGen CN230736.

Allele frequency attached by ClinVar (database versions not stated): gnomAD 0.00005; gnomAD exomes 0.00006 and 0.00019; TOPMed 0.00009; ESP Exome Variant Server 0.00015; ExAC 0.00005.
gnomAD v4.1: 278 of 1,613,992 alleles (0.017%); highest among the groups gnomAD compares: Non-Finnish European, 0.023%; no homozygotes.

Submissions (11):

Labcorp Genetics (formerly Invitae), Labcorp
Classification: Likely benign for Familial hypobetalipoproteinemia 1; Hypercholesterolemia, autosomal dominant, type B. Last evaluated: 2026-01-25. Review status: criteria provided, single submitter. Criteria: Invitae Variant Classification Sherloc (09022015). Collection method: clinical testing. Allele origin: germline.

Mayo Clinic Laboratories, Mayo Clinic
Classification: Likely benign. Last evaluated: 2025-10-20. Review status: criteria provided, single submitter. Criteria: ACMG Guidelines, 2015. Collection method: clinical testing. Allele origin: germline. Observed: 1 variant allele.
Comment: BP4, BP7

Blueprint Genetics
Classification: Likely benign. Last evaluated: 2024-10-24. Review status: criteria provided, single submitter. Criteria: ACMG Guidelines, 2015. Collection method: clinical testing. Allele origin: germline.

Women's Health and Genetics/Laboratory Corporation of America, LabCorp
Classification: Likely benign. Last evaluated: 2023-07-22. Review status: criteria provided, single submitter. Criteria: LabCorp Variant Classification Summary - May 2015. Collection method: clinical testing. Allele origin: germline.

GENinCode PLC
Classification: Likely benign for Familial hypercholesterolemia. Last evaluated: 2023-05-16. Review status: criteria provided, single submitter. Criteria: ACMG Guidelines, 2015. Collection method: clinical testing. Allele origin: germline.
Comment: This is a synonymous (silent) variant that is not predicted by SpliceAI to impact splicing. In addition, it occurs at a nucleotide that is not conserved. Therefore this variant has been classified as Likely Benign (BP4, BP7).

Quest Diagnostics Nichols Institute San Juan Capistrano
Classification: Likely benign. Last evaluated: 2022-12-23. Review status: criteria provided, single submitter. Criteria: Quest Diagnostics criteria. Collection method: clinical testing. Allele origin: unknown.

Ambry Genetics
Classification: Likely benign for Cardiovascular phenotype. Last evaluated: 2022-11-02. Review status: criteria provided, single submitter. Criteria: Ambry Variant Classification Scheme 2023. Collection method: clinical testing. Allele origin: germline.

Illumina Laboratory Services, Illumina
Classification: Uncertain significance for Familial hypobetalipoproteinemia 1. Last evaluated: 2018-01-13. Review status: criteria provided, single submitter. Criteria: ICSL Variant Classification Criteria 13 December 2019. Collection method: clinical testing. Allele origin: germline.

Illumina Laboratory Services, Illumina
Classification: Uncertain significance for Hypercholesterolemia, autosomal dominant, type B. Last evaluated: 2018-01-13. Review status: criteria provided, single submitter. Criteria: ICSL Variant Classification Criteria 13 December 2019. Collection method: clinical testing. Allele origin: germline.

Robarts Research Institute, Western University
Classification: Likely benign for Hypercholesterolemia, familial, 1. Last evaluated: 2018-01-02. Review status: criteria provided, single submitter. Criteria: ACMG Guidelines, 2015. Collection method: clinical testing. Allele origin: germline. Inheritance: Autosomal dominant inheritance. Affected: yes.

GeneDx
Classification: Likely benign. Last evaluated: 2017-07-13. Review status: criteria provided, single submitter. Criteria: GeneDx Variant Classification (06012015). Collection method: clinical testing. Allele origin: germline. Affected: yes.
Comment: This variant is considered likely benign or benign based on one or more of the following criteria: it is a conservative change, it occurs at a poorly conserved position in the protein, it is predicted to be benign by multiple in silico algorithms, and/or has population frequency not consistent with disease.

NM_000384.3(APOB):c.10371C>T (p.Ser3457=)

Gene: APOB (apolipoprotein B; minus strand). Cytogenetic location: 2p24.1.
Variant type: single nucleotide variant.
Coding change: c.10371C>T on transcript NM_000384.3 (MANE Select); coding-DNA position 10371, C replaced by T.
Protein change: p.Ser3457=; no amino-acid change (serine 3457 retained).
Molecular consequence: synonymous variant.
Genome position (GRCh38, 1-based): chr2:21,006,497, G>A on the plus strand (C>T on the coding strand, the complement: APOB is on the minus strand). VCF-style: chr2-21006497-G-A. GRCh37 (hg19) VCF-style: chr2-21229369-G-A.
Other names: p.Ser3457=.
Identifiers: ClinVar variation 477785 (VCV000477785.60), dbSNP rs139891446, ClinGen allele CA043352.
Genomic context (GRCh38, chr2:21,006,497, plus strand): 5'-AACTGCTCCTTTAGCGGTAGAGTACAGCATTGAAGAATTGAAATCATACTTAAATTCCAT[G>A]GAGGAAGAGACAGTAGGTTTTGACTTGGTATTTCCATTAAGTTCTTGCTTGAAATTCATT-3'
Protein context (NP_000375.3, residues 3447-3467): NTKSKPTVSS[Ser3457=]MEFKYDFNSS